The following is an entry in ClinVar:

NM_031310.3(PLVAP):c.19C>T (p.His7Tyr)

Gene: PLVAP (plasmalemma vesicle associated protein; minus strand). Cytogenetic location: 19p13.11.
Variant type: single nucleotide variant.
Coding change: c.19C>T on transcript NM_031310.3 (MANE Select); coding-DNA position 19, C replaced by T.
Protein change: p.His7Tyr; replaces histidine 7 with tyrosine.
Molecular consequence: missense variant.
Genome position (GRCh38, 1-based): chr19:17,377,270, G>A on the plus strand (C>T on the coding strand, the complement: PLVAP is on the minus strand). VCF-style: chr19-17377270-G-A. GRCh37 (hg19) VCF-style: chr19-17488079-G-A.
Other names: c.19C>T (NM_031310.1); short protein forms H7Y.
Identifiers: ClinVar variation 2059964 (VCV002059964.5), dbSNP rs766857119, ClinGen allele CA404687123.
Genomic context (GRCh38, chr19:17,377,270, plus strand): 5'-AGCGCAGGTAATACCAGCAGCCCCGAGAGCTGCCCCCCGCCCGAGCGTAGGACCCTCCGT[G>A]CTCCATGGCCAGACCCATTTGCTCGATCCCGCCGTCCGGTGCACCGTCCCTGCTCACCAC-3'
Protein context (NP_112600.1, residues 1-17): MGLAME[His7Tyr]GGSYARAGGS

ClinVar aggregate classification (germline): Uncertain significance. Review status: criteria provided, multiple submitters, no conflicts (2 of 4 stars). 2 submissions from 2 submitters: Uncertain significance (2). Last evaluated 2025-08-11.

Conditions:
Inborn genetic diseases. Identifiers: MedGen C0950123, MeSH D030342.

Submissions (2):

Ambry Genetics
Classification: Uncertain significance for Inborn genetic diseases. Last evaluated: 2025-08-11. Review status: criteria provided, single submitter. Criteria: Ambry Variant Classification Scheme 2023. Collection method: clinical testing. Allele origin: germline.

Labcorp Genetics (formerly Invitae), Labcorp
Classification: Uncertain significance. Last evaluated: 2022-06-19. Review status: criteria provided, single submitter. Criteria: Invitae Variant Classification Sherloc (09022015). Collection method: clinical testing. Allele origin: germline.
Comment: This sequence change replaces histidine, which is basic and polar, with tyrosine, which is neutral and polar, at codon 7 of the PLVAP protein (p.His7Tyr). This variant is not present in population databases (gnomAD no frequency). This variant has not been reported in the literature in individuals affected with PLVAP-related conditions. Algorithms developed to predict the effect of missense changes on protein structure and function are either unavailable or do not agree on the potential impact of this missense change (SIFT: "Tolerated"; PolyPhen-2: "Possibly Damaging"; Align-GVGD: "Class C15"). In summary, the available evidence is currently insufficient to determine the role of this variant in disease. Therefore, it has been classified as a Variant of Uncertain Significance.